The following is an entry in ClinVar:

NM_001364905.1(LRBA):c.1109C>G (p.Ala370Gly)

Gene: LRBA (LPS responsive beige-like anchor protein; minus strand). Cytogenetic location: 4q31.3.
Variant type: single nucleotide variant.
Coding change: c.1109C>G on transcript NM_001364905.1 (MANE Select); coding-DNA position 1109, C replaced by G.
Protein change: p.Ala370Gly; replaces alanine 370 with glycine.
Molecular consequence: missense variant.
Genome position (GRCh38, 1-based): chr4:150,914,247, G>C on the plus strand (C>G on the coding strand, the complement: LRBA is on the minus strand). VCF-style: chr4-150914247-G-C. GRCh37 (hg19) VCF-style: chr4-151835399-G-C.
Other names: c.1109C>G, p.Ala370Gly (NM_001199282.3, NM_001367550.1, NM_006726.5); short protein forms A370G.
Identifiers: ClinVar variation 540388 (VCV000540388.9), dbSNP rs1391144269, ClinGen allele CA358435549.

ClinVar aggregate classification (germline): Uncertain significance (1 of 4 stars; one submission).

Conditions:
Combined immunodeficiency due to LRBA deficiency. Also called: Common variable immunodeficiency 8, with autoimmunity. Identifiers: Orphanet 445018, MedGen C3553512, MONDO:0013863, OMIM 614700.

Submission:

Labcorp Genetics (formerly Invitae), Labcorp
Classification: Uncertain significance for Combined immunodeficiency due to LRBA deficiency. Last evaluated: 2018-11-03. Review status: criteria provided, single submitter. Criteria: Invitae Variant Classification Sherloc (09022015). Collection method: clinical testing. Allele origin: germline.
Comment: In summary, the available evidence is currently insufficient to determine the role of this variant in disease. Therefore, it has been classified as a Variant of Uncertain Significance. Algorithms developed to predict the effect of missense changes on protein structure and function do not agree on the potential impact of this missense change (SIFT: "Tolerated"; PolyPhen-2: "Probably Damaging"; Align-GVGD: "Class C0"). This variant has not been reported in the literature in individuals with LRBA-related disease. This variant is not present in population databases (ExAC no frequency). This sequence change replaces alanine with glycine at codon 370 of the LRBA protein (p.Ala370Gly). The alanine residue is moderately conserved and there is a small physicochemical difference between alanine and glycine.